The following is an entry in ClinVar:

ClinVar aggregate classification (germline): Uncertain significance (1 of 4 stars; one submission).

Conditions:
Long QT syndrome (LQTS). Identifiers: MedGen C0023976, MeSH D008133, MONDO:0002442. Disease mechanism: loss of function. Inheritance: Various modes of inheritance.

Submissions (2):

Labcorp Genetics (formerly Invitae), Labcorp
Classification: Uncertain significance for Long QT syndrome. Last evaluated: 2021-02-11. Review status: criteria provided, single submitter. Criteria: Invitae Variant Classification Sherloc (09022015). Collection method: clinical testing. Allele origin: germline.
Comment: In summary, the available evidence is currently insufficient to determine the role of this variant in disease. Therefore, it has been classified as a Variant of Uncertain Significance. Algorithms developed to predict the effect of missense changes on protein structure and function are either unavailable or do not agree on the potential impact of this missense change (SIFT: "Tolerated"; PolyPhen-2: "Possibly Damaging"; Align-GVGD: "Class C0"). This variant has not been reported in the literature in individuals with KCNE1-related conditions. This variant is not present in population databases (ExAC no frequency). This sequence change replaces arginine with threonine at codon 104 of the KCNE1 protein (p.Arg104Thr). The arginine residue is moderately conserved and there is a moderate physicochemical difference between arginine and threonine.

Roden Lab, Vanderbilt University Medical Center
No classification provided (evidence only). Condition: Long QT syndrome 5. Review status: no classification provided. Collection method: in vitro. Allele origin: not applicable. Functional consequence: Effect on ion channel function. Not counted in ClinVar's aggregate classification.
ClinVar note: "not provided" was previously submitted as the classification for the variant. However, the classification appeared to be based only on an observation of functional data so it was converted to no classification on 2025-07-30.

NM_000219.6(KCNE1):c.311G>C (p.Arg104Thr)

Gene: KCNE1 (potassium voltage-gated channel subfamily E regulatory subunit 1; minus strand). Cytogenetic location: 21q22.12.
Variant type: single nucleotide variant.
Coding change: c.311G>C on transcript NM_000219.6 (MANE Select); coding-DNA position 311, G replaced by C.
Protein change: p.Arg104Thr; replaces arginine 104 with threonine.
Molecular consequence: missense variant.
Genome position (GRCh38, 1-based): chr21:34,449,324, C>G on the plus strand (G>C on the coding strand, the complement: KCNE1 is on the minus strand). VCF-style: chr21-34449324-C-G. GRCh37 (hg19) VCF-style: chr21-35821622-C-G.
Other names: c.311G>C, p.Arg104Thr (NM_001127668.4, NM_001127669.4, NM_001127670.4 and 4 more transcripts); short protein forms R104T.
Identifiers: ClinVar variation 1408284 (VCV001408284.10), dbSNP rs2123457058, ClinGen allele CA410198049.